The following is an entry in ClinVar:

ClinVar aggregate classification (germline): Uncertain significance (1 of 4 stars; one submission).

Submission:

GeneDx
Classification: Uncertain significance. Last evaluated: 2025-06-18. Review status: criteria provided, single submitter. Criteria: GeneDx Variant Classification Process June 2021. Collection method: clinical testing. Allele origin: germline. Affected: yes.
Comment: Not observed at significant frequency in large population cohorts (gnomAD); In silico analysis supports that this missense variant has a deleterious effect on protein structure/function; Has not been previously published as pathogenic or benign to our knowledge

NM_006245.4(PPP2R5D):c.229G>C (p.Gly77Arg)

Gene: PPP2R5D (protein phosphatase 2 regulatory subunit B'delta; plus strand). Cytogenetic location: 6p21.1.
Variant type: single nucleotide variant.
Coding change: c.229G>C on transcript NM_006245.4 (MANE Select); coding-DNA position 229, G replaced by C.
Protein change: p.Gly77Arg; replaces glycine 77 with arginine.
Molecular consequence: missense variant. On other transcripts: 5 prime UTR variant (1), intron variant (1).
Genome position (GRCh38, 1-based): chr6:43,006,586, G>C. VCF-style: chr6-43006586-G-C. GRCh37 (hg19) VCF-style: chr6-42974324-G-C.
Other names: c.-225G>C (NM_001270476.2); c.229G>C, p.Gly77Arg (NM_180976.3); c.28-348G>C (NM_180977.3); short protein forms G77R.
Identifiers: ClinVar variation 4538802 (VCV004538802.1).